The following is an entry in ClinVar:

NM_001009944.3(PKD1):c.10406-7C>T

Gene: PKD1 (polycystin 1, transient receptor potential channel interacting; minus strand). Cytogenetic location: 16p13.3.
Variant type: single nucleotide variant.
Coding change: c.10406-7C>T on transcript NM_001009944.3 (MANE Select); 7 bases into the intron before coding-DNA position 10406, C replaced by T.
Molecular consequence: intron variant.
Genome position (GRCh38, 1-based): chr16:2,097,248, G>A on the plus strand (C>T on the coding strand, the complement: PKD1 is on the minus strand). VCF-style: chr16-2097248-G-A. GRCh37 (hg19) VCF-style: chr16-2147249-G-A.
Other names: c.10403-7C>T (NM_000296.4).
Identifiers: ClinVar variation 4979409 (VCV004979409.1).

ClinVar aggregate classification (germline): Likely benign (1 of 4 stars; one submission).

Conditions:
PKD1-related disorder. Also called: PKD1-related condition.

gnomAD v4.1: 83 of 1,593,536 alleles (0.0052%); highest among the groups gnomAD compares: Non-Finnish European, 0.0061%; 1 homozygote.

Submission:

PreventionGenetics, part of Exact Sciences
Classification: Likely benign for PKD1-related condition. Last evaluated: 2025-10-23. Review status: criteria provided, single submitter. Criteria: ACMG Guidelines, 2015. Collection method: clinical testing. Allele origin: germline.
Comment: This variant is classified as likely benign based on ACMG/AMP sequence variant interpretation guidelines (Richards et al. 2015 PMID: 25741868, with internal and published modifications).